The following is an entry in ClinVar:

ClinVar aggregate classification (germline): Uncertain significance (1 of 4 stars; one submission).

Submission:

GeneDx
Classification: Uncertain significance. Last evaluated: 2024-12-13. Review status: criteria provided, single submitter. Criteria: GeneDx Variant Classification Process June 2021. Collection method: clinical testing. Allele origin: germline. Affected: yes.
Comment: Not observed at significant frequency in large population cohorts (gnomAD); In silico analysis supports that this missense variant has a deleterious effect on protein structure/function; Has not been previously published as pathogenic or benign to our knowledge

NM_001273.5(CHD4):c.2596G>C (p.Asp866His)

Gene: CHD4 (chromodomain helicase DNA binding protein 4; minus strand). Cytogenetic location: 12p13.31.
Variant type: single nucleotide variant.
Coding change: c.2596G>C on transcript NM_001273.5 (MANE Select); coding-DNA position 2596, G replaced by C.
Protein change: p.Asp866His; replaces aspartic acid 866 with histidine.
Molecular consequence: missense variant.
Genome position (GRCh38, 1-based): chr12:6,593,147, C>G on the plus strand (G>C on the coding strand, the complement: CHD4 is on the minus strand). VCF-style: chr12-6593147-C-G. GRCh37 (hg19) VCF-style: chr12-6702313-C-G.
Other names: c.2575G>C, p.Asp859His (NM_001297553.2); c.2557G>C, p.Asp853His (NM_001363606.2); short protein forms D853H, D859H, D866H.
Identifiers: ClinVar variation 3906577 (VCV003906577.1).